The following is an entry in ClinVar:

NM_004813.4(PEX16):c.643C>G (p.Leu215Val)

Gene: PEX16 (peroxisomal biogenesis factor 16; minus strand). Cytogenetic location: 11p11.2.
Variant type: single nucleotide variant.
Coding change: c.643C>G on transcript NM_004813.4 (MANE Select); coding-DNA position 643, C replaced by G.
Protein change: p.Leu215Val; replaces leucine 215 with valine.
Molecular consequence: missense variant.
Genome position (GRCh38, 1-based): chr11:45,914,367, G>C on the plus strand (C>G on the coding strand, the complement: PEX16 is on the minus strand). VCF-style: chr11-45914367-G-C. GRCh37 (hg19) VCF-style: chr11-45935918-G-C.
Other names: c.643C>G, p.Leu215Val (NM_057174.3); short protein forms L215V.
Identifiers: ClinVar variation 1037728 (VCV001037728.7), dbSNP rs773150003, ClinGen allele CA5959889.

ClinVar aggregate classification (germline): Uncertain significance (1 of 4 stars; one submission).

Conditions:
Peroxisome biogenesis disorder. Identifiers: Orphanet 79189, MedGen C1832200, MONDO:0019234. Disease mechanism: loss of function.

Allele frequency attached by ClinVar (database versions not stated): ExAC 0.00001; TOPMed 0.00002; gnomAD 0.00003.
gnomAD v4.1: 8 of 1,611,102 alleles (0.0005%); highest among the groups gnomAD compares: African/African-American, 0.0093%; no homozygotes.

Submission:

Labcorp Genetics (formerly Invitae), Labcorp
Classification: Uncertain significance for Peroxisome biogenesis disorder. Last evaluated: 2023-08-24. Review status: criteria provided, single submitter. Criteria: Invitae Variant Classification Sherloc (09022015). Collection method: clinical testing. Allele origin: germline.
Comment: This sequence change replaces leucine, which is neutral and non-polar, with valine, which is neutral and non-polar, at codon 215 of the PEX16 protein (p.Leu215Val). This variant is present in population databases (rs773150003, gnomAD 0.02%). This variant has not been reported in the literature in individuals affected with PEX16-related conditions. ClinVar contains an entry for this variant (Variation ID: 1037728). Advanced modeling of protein sequence and biophysical properties (such as structural, functional, and spatial information, amino acid conservation, physicochemical variation, residue mobility, and thermodynamic stability) performed at Invitae indicates that this missense variant is not expected to disrupt PEX16 protein function. In summary, the available evidence is currently insufficient to determine the role of this variant in disease. Therefore, it has been classified as a Variant of Uncertain Significance.